The following is an entry in ClinVar:

ClinVar aggregate classification (germline): Uncertain significance. Review status: criteria provided, multiple submitters, no conflicts (2 of 4 stars). 3 submissions from 3 submitters: Uncertain significance (3). Last evaluated 2025-04-25.

Conditions:
Cardiovascular phenotype. Identifiers: MedGen CN230736.
Hereditary cancer-predisposing syndrome. Also called: Hereditary Cancer Syndrome; Hereditary neoplastic syndrome; Neoplastic Syndromes, Hereditary; Tumor predisposition. Identifiers: Orphanet 140162, MedGen C0027672, MeSH D009386, MONDO:0015356.

Allele frequency attached by ClinVar (database versions not stated): TOPMed below 0.00001; gnomAD exomes 0.00001.

Submissions (3):

Ambry Genetics
Classification: Uncertain significance for Cardiovascular phenotype; Hereditary cancer-predisposing syndrome. Last evaluated: 2025-04-25. Review status: criteria provided, single submitter. Criteria: Ambry Variant Classification Scheme 2023. Collection method: clinical testing. Allele origin: germline.
Comment: The p.V125A variant (also known as c.374T>C), located in coding exon 4 of the LZTR1 gene, results from a T to C substitution at nucleotide position 374. The valine at codon 125 is replaced by alanine, an amino acid with similar properties. This amino acid position is conserved. In addition, the in silico prediction for this alteration is inconclusive. Since supporting evidence is limited at this time, the clinical significance of this alteration remains unclear.

Blueprint Genetics
Classification: Uncertain significance. Last evaluated: 2024-10-31. Review status: criteria provided, single submitter. Criteria: ACMG Guidelines, 2015. Collection method: clinical testing. Allele origin: germline.

Labcorp Genetics (formerly Invitae), Labcorp
Classification: Uncertain significance. Last evaluated: 2023-04-24. Review status: criteria provided, single submitter. Criteria: Invitae Variant Classification Sherloc (09022015). Collection method: clinical testing. Allele origin: germline.
Comment: Advanced modeling of protein sequence and biophysical properties (such as structural, functional, and spatial information, amino acid conservation, physicochemical variation, residue mobility, and thermodynamic stability) performed at Invitae indicates that this missense variant is not expected to disrupt LZTR1 protein function. In summary, the available evidence is currently insufficient to determine the role of this variant in disease. Therefore, it has been classified as a Variant of Uncertain Significance. ClinVar contains an entry for this variant (Variation ID: 1734551). This variant has not been reported in the literature in individuals affected with LZTR1-related conditions. This variant is present in population databases (no rsID available, gnomAD 0.0009%). This sequence change replaces valine, which is neutral and non-polar, with alanine, which is neutral and non-polar, at codon 125 of the LZTR1 protein (p.Val125Ala).

NM_006767.4(LZTR1):c.374T>C (p.Val125Ala)

Gene: LZTR1 (leucine zipper like post translational regulator 1; plus strand). Cytogenetic location: 22q11.21.
Variant type: single nucleotide variant.
Coding change: c.374T>C on transcript NM_006767.4 (MANE Select); coding-DNA position 374, T replaced by C.
Protein change: p.Val125Ala; replaces valine 125 with alanine.
Molecular consequence: missense variant.
Genome position (GRCh38, 1-based): chr22:20,987,557, T>C. VCF-style: chr22-20987557-T-C. GRCh37 (hg19) VCF-style: chr22-21341846-T-C.
Other names: short protein forms V125A.
Identifiers: ClinVar variation 1734551 (VCV001734551.9), dbSNP rs1299386127, ClinGen allele CA410779382.